The following is an entry in ClinVar:

NM_001184.4(ATR):c.5734A>C (p.Lys1912Gln)

Gene: ATR (ATR serine/threonine kinase; minus strand). Cytogenetic location: 3q23.
Variant type: single nucleotide variant.
Coding change: c.5734A>C on transcript NM_001184.4 (MANE Select); coding-DNA position 5734, A replaced by C.
Protein change: p.Lys1912Gln; replaces lysine 1912 with glutamine.
Molecular consequence: missense variant.
Genome position (GRCh38, 1-based): chr3:142,497,017, T>G on the plus strand (A>C on the coding strand, the complement: ATR is on the minus strand). VCF-style: chr3-142497017-T-G. GRCh37 (hg19) VCF-style: chr3-142215859-T-G.
Other names: c.5542A>C, p.Lys1848Gln (NM_001354579.2); short protein forms K1912Q, K1848Q.
Identifiers: ClinVar variation 3331775 (VCV003331775.1).
Genomic context (GRCh38, chr3:142,497,017, plus strand): 5'-ATCCAAATACCAAATTCAAGATAAGTGACATTTTTAAAAAAAGTAGTGTGAGAAACCTTT[T>G]GTTGAGGCTTAGTAAAGCCCTCCGGAGAGCCAGGATAGGCTCCTTGGCTCTGTAGGAATT-3'
Protein context (NP_001175.2, residues 1902-1922): ALRRALLSLN[Lys1912Gln]RPDYNEMVGE

ClinVar aggregate classification (germline): Uncertain significance (1 of 4 stars; one submission).

Conditions:
Inborn genetic diseases. Identifiers: MedGen C0950123, MeSH D030342.

Submission:

Ambry Genetics
Classification: Uncertain significance for Inborn genetic diseases. Last evaluated: 2024-05-02. Review status: criteria provided, single submitter. Criteria: Ambry Variant Classification Scheme 2023. Collection method: clinical testing. Allele origin: germline.
Comment: The p.K1912Q variant (also known as c.5734A>C), located in coding exon 33 of the ATR gene, results from an A to C substitution at nucleotide position 5734. The lysine at codon 1912 is replaced by glutamine, an amino acid with similar properties. This amino acid position is conserved. In addition, this alteration is predicted to be tolerated by in silico analysis. Based on the available evidence, the clinical significance of this variant remains unclear.